The following is an entry in ClinVar:

ClinVar aggregate classification (germline): Uncertain significance. Review status: criteria provided, multiple submitters, no conflicts (2 of 4 stars). 2 submissions from 2 submitters: Uncertain significance (2). Last evaluated 2022-08-03.

Allele frequency attached by ClinVar (database versions not stated): ExAC 0.00004; gnomAD exomes 0.00008 and 0.00021; gnomAD 0.00013 and 0.00014; TOPMed 0.00014.
gnomAD v4.1: 322 of 1,614,032 alleles (0.02%); highest among the groups gnomAD compares: Non-Finnish European, 0.026%; 1 homozygote.

Submissions (2):

Labcorp Genetics (formerly Invitae), Labcorp
Classification: Uncertain significance. Last evaluated: 2022-08-03. Review status: criteria provided, single submitter. Criteria: Invitae Variant Classification Sherloc (09022015). Collection method: clinical testing. Allele origin: germline.
Comment: This sequence change replaces arginine, which is basic and polar, with glutamine, which is neutral and polar, at codon 138 of the SBF1 protein (p.Arg138Gln). This variant is present in population databases (rs765643685, gnomAD 0.01%). This variant has not been reported in the literature in individuals affected with SBF1-related conditions. ClinVar contains an entry for this variant (Variation ID: 1413112). Algorithms developed to predict the effect of missense changes on protein structure and function (SIFT, PolyPhen-2, Align-GVGD) all suggest that this variant is likely to be tolerated. In summary, the available evidence is currently insufficient to determine the role of this variant in disease. Therefore, it has been classified as a Variant of Uncertain Significance.

Ambry Genetics
Classification: Uncertain significance. Last evaluated: 2021-10-12. Review status: criteria provided, single submitter. Criteria: Ambry Variant Classification Scheme 2023. Collection method: clinical testing. Allele origin: germline.

NM_002972.4(SBF1):c.413G>A (p.Arg138Gln)

Gene: SBF1 (SET binding factor 1; minus strand). Cytogenetic location: 22q13.33.
Variant type: single nucleotide variant.
Coding change: c.413G>A on transcript NM_002972.4 (MANE Select); coding-DNA position 413, G replaced by A.
Protein change: p.Arg138Gln; replaces arginine 138 with glutamine.
Molecular consequence: missense variant.
Genome position (GRCh38, 1-based): chr22:50,467,557, C>T on the plus strand (G>A on the coding strand, the complement: SBF1 is on the minus strand). VCF-style: chr22-50467557-C-T. GRCh37 (hg19) VCF-style: chr22-50905986-C-T.
Other names: c.416G>A, p.Arg139Gln (NM_001365819.1); c.413G>A (NM_002972.2); short protein forms R138Q, R139Q.
Identifiers: ClinVar variation 1413112 (VCV001413112.4), dbSNP rs765643685, ClinGen allele CA10318109.
Genomic context (GRCh38, chr22:50,467,557, plus strand): 5'-TCGTCGTGCCTCGCCGCCCCGGCTGCCGGCCTCACCCTGAACACCTCCGTGTGGTCGAGT[C>T]GCGACACCAGTACCAGCGTCTTCGGTGCAAACAGCTGGGCAGATGGGGCAGGTGCTGTGG-3'
Protein context (NP_002963.2, residues 128-148): FAPKTLVLVS[Arg138Gln]LDHTEVFRNS